The following is an entry in ClinVar:

NM_172107.4(KCNQ2):c.1549A>G (p.Ile517Val)

Gene: KCNQ2 (potassium voltage-gated channel subfamily Q member 2; minus strand). Cytogenetic location: 20q13.33.
Variant type: single nucleotide variant.
Coding change: c.1549A>G on transcript NM_172107.4 (MANE Select); coding-DNA position 1549, A replaced by G.
Protein change: p.Ile517Val; replaces isoleucine 517 with valine.
Molecular consequence: missense variant.
Genome position (GRCh38, 1-based): chr20:63,414,170, T>C on the plus strand (A>G on the coding strand, the complement: KCNQ2 is on the minus strand). VCF-style: chr20-63414170-T-C. GRCh37 (hg19) VCF-style: chr20-62045523-T-C.
Other names: c.1495A>G, p.Ile499Val (NM_001382235.1, NM_172106.3); c.1465A>G, p.Ile489Val (NM_004518.6); c.1456A>G, p.Ile486Val (NM_172108.5); short protein forms I486V, I517V, I489V, I499V.
Identifiers: ClinVar variation 3709284 (VCV003709284.2).

ClinVar aggregate classification (germline): Uncertain significance (1 of 4 stars; one submission).

Conditions:
Early-infantile DEE. Also called: Early infantile epileptic encephalopathy; Early infantile epileptic encephalopathy with suppression bursts; Ohtahara syndrome. Identifiers: Orphanet 1934, MedGen C0393706, MONDO:0800491.

gnomAD v4.1: 4 of 1,613,398 alleles (0.00025%); highest among the groups gnomAD compares: East Asian, 0.0089%; no homozygotes.

Submission:

Labcorp Genetics (formerly Invitae), Labcorp
Classification: Uncertain significance for Early-infantile DEE. Last evaluated: 2024-05-22. Review status: criteria provided, single submitter. Criteria: Invitae Variant Classification Sherloc (09022015). Collection method: clinical testing. Allele origin: germline.
Comment: This sequence change replaces isoleucine, which is neutral and non-polar, with valine, which is neutral and non-polar, at codon 517 of the KCNQ2 protein (p.Ile517Val). This variant is present in population databases (rs143844949, gnomAD 0.01%). This variant has not been reported in the literature in individuals affected with KCNQ2-related conditions. Algorithms developed to predict the effect of missense changes on protein structure and function output the following: SIFT: "Not Available"; PolyPhen-2: "Benign"; Align-GVGD: "Not Available". The valine amino acid residue is found in multiple mammalian species, which suggests that this missense change does not adversely affect protein function. In summary, the available evidence is currently insufficient to determine the role of this variant in disease. Therefore, it has been classified as a Variant of Uncertain Significance.